The following is an entry in ClinVar:

NM_000020.3(ACVRL1):c.698_699dup (p.Asp235fs)

Gene: ACVRL1 (activin A receptor like type 1; plus strand). Cytogenetic location: 12q13.13.
Variant type: Duplication.
Coding change: c.698_699dup on transcript NM_000020.3 (MANE Select); coding-DNA positions 698 to 699, 2 bases duplicated (CG; older notation c.698_699dupCG).
Protein change: p.Asp235fs; shifts the reading frame from aspartic acid 235.
Molecular consequence: frameshift variant.
Genome position (GRCh38, 1-based): chr12:51,914,511-51,914,512, CG duplicated. VCF-style (leftmost placement, unchanged base first): chr12-51914510-T-TCG. GRCh37 (hg19) VCF-style: chr12-52308294-T-TCG.
Other names: c.698_699dup, p.Asp235fs (NM_001077401.2); short protein forms D235fs.
Identifiers: ClinVar variation 1398316 (VCV001398316.6), dbSNP rs2139070714, ClinGen allele CA2573148781.

ClinVar aggregate classification (germline): Pathogenic (1 of 4 stars; one submission).

Conditions:
Telangiectasia, hereditary hemorrhagic, type 2 (HHT2). Also called: Telangiectasia, hereditary hemorrhagic, type II; ACVRL1-Related Hereditary Hemorrhagic Telangiectasia. Identifiers: Orphanet 774, MedGen C1838163, MONDO:0010880, OMIM 600376. Disease mechanism: loss of function.

Submission:

Labcorp Genetics (formerly Invitae), Labcorp
Classification: Pathogenic for Telangiectasia, hereditary hemorrhagic, type 2. Last evaluated: 2024-01-05. Review status: criteria provided, single submitter. Criteria: Invitae Variant Classification Sherloc (09022015). Collection method: clinical testing. Allele origin: germline.
Comment: This sequence change creates a premature translational stop signal (p.Asp235Glyfs*24) in the ACVRL1 gene. It is expected to result in an absent or disrupted protein product. Loss-of-function variants in ACVRL1 are known to be pathogenic (PMID: 15879500). This variant is not present in population databases (gnomAD no frequency). This variant has not been reported in the literature in individuals affected with ACVRL1-related conditions. ClinVar contains an entry for this variant (Variation ID: 1398316). Algorithms developed to predict the effect of sequence changes on RNA splicing suggest that this variant may disrupt the consensus splice site. For these reasons, this variant has been classified as Pathogenic.

Literature cited by the submitters: PubMed 15879500.